The following is an entry in ClinVar:

ClinVar aggregate classification (germline): Pathogenic. Review status: criteria provided, multiple submitters, no conflicts (2 of 4 stars). 15 submissions from 14 submitters: Pathogenic (14). 1 of the submissions does not count toward it. Last evaluated 2026-07-09.

Conditions:
USH2A-related disorder. Also called: USH2A-related disorders; USH2A-related condition. Identifiers: MedGen CN239332.
Retinal dystrophy. Also called: Inherited retinal dystrophy. Identifiers: Orphanet 71862, MedGen C0854723, MeSH D058499, MONDO:0019118, HP:0000556.
Usher syndrome type 2A. Also called: RETINAL DISEASE IN USHER SYNDROME TYPE IIA, MODIFIER OF; USHER SYNDROME, TYPE IIA. Identifiers: Orphanet 231178, Orphanet 886, MedGen C1848634, MONDO:0010169, OMIM 276901.
Retinitis pigmentosa 39 (RP39). Identifiers: Orphanet 791, MedGen C3151138, MONDO:0013436, OMIM 613809.
Retinal disorder. Also called: Retinopathies; Retinal Diseases; Retinal disorders; Retinopathy. Identifiers: MedGen C0035309, MONDO:0005283, HP:0000488.

Submissions (15):

PreventionGenetics, part of Exact Sciences
Classification: Pathogenic for USH2A-related condition. Last evaluated: 2026-07-09. Review status: criteria provided, single submitter. Criteria: ACMG Guidelines, 2015. Collection method: clinical testing. Allele origin: germline.
Comment: The USH2A c.12234_12235delGA variant is predicted to result in a frameshift and premature protein termination (p.Asn4079Trpfs*19). This variant has been reported in many individuals with Usher syndrome 2 or non-syndromic retinitis pigmentosa (see for examples: Baux et al. 2007. PubMed ID: 17405132; Table S1, Karali et al. 2022. PubMed ID: 36460718; Table S1, Lin et al. 2024. PubMed ID: 38219857). This variant is present in 0.0018% of alleles in individuals of European (Non-Finnish) descent in gnomAD. Frameshift variants in USH2A are an established mechanism of disease. This variant is interpreted as pathogenic.

North West Genomic Laboratory Hub, Manchester University NHS Foundation Trust
Classification: Pathogenic for Retinal disorders. Last evaluated: 2026-03-06. Review status: criteria provided, single submitter. Criteria: ACGS Best Practice Guidelines for Variant Classification in Rare Disease 2024. Collection method: clinical testing. Allele origin: germline. Affected: yes.
Comment: PM2_Mod PVS1_VStr PM3_Str

Labcorp Genetics (formerly Invitae), Labcorp
Classification: Pathogenic. Last evaluated: 2025-11-25. Review status: criteria provided, single submitter. Criteria: Invitae Variant Classification Sherloc (09022015). Collection method: clinical testing. Allele origin: germline.
Comment: This sequence change creates a premature translational stop signal (p.Asn4079Trpfs*19) in the USH2A gene. It is expected to result in an absent or disrupted protein product. Loss-of-function variants in USH2A are known to be pathogenic (PMID: 10729113, 10909849, 20507924, 25649381). This variant is present in population databases (rs398124618, gnomAD 0.002%). This premature translational stop signal has been observed in individual(s) with Usher syndrome type II (PMID: 17405132, 27460420). This variant is also known as p.Glu4078fs. ClinVar contains an entry for this variant (Variation ID: 96665). For these reasons, this variant has been classified as Pathogenic.

Natera, Inc.
Classification: Pathogenic for Usher syndrome type 2A. Last evaluated: 2024-09-26. Review status: criteria provided, single submitter. Criteria: Natera Variant Classification Schema (03/2026). Collection method: clinical testing. Allele origin: germline.
Comment: The c.12234_12235delGA variant in USH2A is a frameshift variant predicted to shift the reading frame beginning at codon 4079 and leads to a stop codon 19 codons downstream. This variant is expected to result in nonsense mediated decay, truncation, or a dysfunctional protein product. This variant is rare in the general population with a frequency below the threshold expected for the associated phenotype(s). This variant has been observed in one or more individuals affected with the associated recessive disease, as either homozygous or compound heterozygous with a second variant (PMID: 27460420). Given the available evidence, this variant is classified as Pathogenic.

Baylor Genetics
Classification: Pathogenic for Retinitis pigmentosa 39. Last evaluated: 2023-11-13. Review status: criteria provided, single submitter. Criteria: ACMG Guidelines, 2015. Collection method: clinical testing. Allele origin: unknown.

Genome-Nilou Lab
Classification: Pathogenic for Retinitis pigmentosa 39. Last evaluated: 2023-11-04. Review status: criteria provided, single submitter. Criteria: ACMG Guidelines, 2015. Collection method: clinical testing. Allele origin: germline. Affected: no.

Genome-Nilou Lab
Classification: Pathogenic for Usher syndrome type 2A. Last evaluated: 2023-11-04. Review status: criteria provided, single submitter. Criteria: ACMG Guidelines, 2015. Collection method: clinical testing. Allele origin: germline. Affected: no.

Institute of Human Genetics, Univ. Regensburg, Univ. Regensburg
Classification: Pathogenic for Retinal dystrophy. Last evaluated: 2023-01-01. Review status: criteria provided, single submitter. Criteria: ACMG Guidelines, 2015. Collection method: clinical testing. Allele origin: germline. Affected: yes.

The Shared Resource Centre "Genome", Research Centre for Medical Genetics
Classification: Pathogenic for Usher syndrome type 2A. Last evaluated: 2022-11-10. Review status: criteria provided, single submitter. Criteria: ACMG Guidelines, 2015. Collection method: clinical testing. Allele origin: germline. Affected: yes. Observed: 1 variant allele.

Blueprint Genetics
Classification: Pathogenic for USH2A-related disorders. Last evaluated: 2021-09-30. Review status: criteria provided, single submitter. Criteria: ACMG Guidelines, 2015. Collection method: clinical testing. Allele origin: germline. Affected: yes. Observed: 5 variant alleles.

Genetics and Molecular Pathology, SA Pathology
Classification: Pathogenic for Retinitis pigmentosa 39. Last evaluated: 2021-09-27. Review status: criteria provided, single submitter. Criteria: ACMG Guidelines, 2015. Collection method: clinical testing. Allele origin: germline. Affected: yes.

Institute of Medical Genetics and Applied Genomics, University Hospital Tübingen
Classification: Pathogenic. Last evaluated: 2021-06-17. Review status: criteria provided, single submitter. Criteria: ACMG Guidelines, 2015. Collection method: clinical testing. Allele origin: germline. Inheritance: Autosomal recessive inheritance. Affected: yes.

GeneDx
Classification: Pathogenic. Last evaluated: 2017-04-04. Review status: criteria provided, single submitter. Criteria: GeneDx Variant Classification (06012015). Collection method: clinical testing. Allele origin: germline. Affected: yes.
Comment: The c.12234_12235delGA frameshift variant in the USH2A gene has been reported previously in association with Usher syndrome type IIA (Baux et al., 2007; GlÃ¶ckle et al., 2014). The c.12234_12235delGA variant in the USH2A gene causes a frameshift starting with codon Asparagine 4079, changes this amino acid to a Tryptophan residue and creates a premature Stop codon at position 19 of the new reading frame, denoted p.Asn4079TrpfsX19. This variant is predicted to cause loss of normal protein function either through protein truncation or nonsense-mediated mRNA decay. Therefore, we interpret this variant to be pathogenic.

Eurofins Ntd Llc (ga)
Classification: Pathogenic. Last evaluated: 2016-09-13. Review status: criteria provided, single submitter. Criteria: EGL Classification Definitions. Collection method: clinical testing. Allele origin: germline. Observed: 2 variant alleles, 2 heterozygotes.

Counsyl
Classification: Pathogenic for Retinitis pigmentosa 39. Last evaluated: 2017-12-29. Review status: no assertion criteria provided. Collection method: clinical testing. Allele origin: unknown. Not counted in ClinVar's aggregate classification.

Literature cited by the submitters: PubMed 10729113 (cited by Labcorp Genetics (formerly Invitae), Labcorp); PubMed 10909849 (cited by Labcorp Genetics (formerly Invitae), Labcorp); PubMed 20507924 (cited by Labcorp Genetics (formerly Invitae), Labcorp); PubMed 25649381 (cited by Labcorp Genetics (formerly Invitae), Labcorp); PubMed 17405132 (cited by Labcorp Genetics (formerly Invitae), Labcorp and Institute of Human Genetics, Univ. Regensburg, Univ. Regensburg); PubMed 27460420 (cited by 3 submitters); PubMed 31964843 (cited by Institute of Human Genetics, Univ. Regensburg, Univ. Regensburg); PubMed 32531858 (cited by Institute of Human Genetics, Univ. Regensburg, Univ. Regensburg); PubMed 32037395 (cited by Institute of Human Genetics, Univ. Regensburg, Univ. Regensburg); PubMed 36460718 (cited by Institute of Human Genetics, Univ. Regensburg, Univ. Regensburg); PubMed 35452909 (cited by Institute of Human Genetics, Univ. Regensburg, Univ. Regensburg).

NM_206933.4(USH2A):c.12234_12235del (p.Asn4079fs)

Gene: USH2A (usherin; minus strand). Cytogenetic location: 1q41.
Variant type: Microsatellite.
Coding change: c.12234_12235del on transcript NM_206933.4 (MANE Select); coding-DNA positions 12234 to 12235, 2 bases deleted (GA; older notation c.12234_12235delGA).
Protein change: p.Asn4079fs; shifts the reading frame from asparagine 4079.
Molecular consequence: frameshift variant.
Genome position (GRCh38, 1-based): chr1:215,680,208-215,680,209, TC deleted on the plus strand (GA on the coding strand, the reverse complement: USH2A is on the minus strand); deleting any 2 consecutive bases within chr1:215,680,208-215,680,212 gives the same sequence; the c. name uses the placement nearest the transcript's 3' end. VCF-style (leftmost placement, unchanged base first): chr1-215680207-TTC-T. GRCh37 (hg19) VCF-style: chr1-215853549-TTC-T.
Other names: c.12234_12235del (NM_206933.2); c.12234_12235delGA (NM_206933.3, NM_206933.4); short protein forms N4079fs.
Identifiers: ClinVar variation 96665 (VCV000096665.32), dbSNP rs398124618, ClinGen allele CA224397.